The following is an entry in ClinVar:

NM_001042424.3(NSD2):c.1304T>C (p.Val435Ala)

Gene: NSD2 (nuclear receptor binding SET domain protein 2; plus strand). Cytogenetic location: 4p16.3.
Variant type: single nucleotide variant.
Coding change: c.1304T>C on transcript NM_001042424.3 (MANE Select); coding-DNA position 1304, T replaced by C.
Protein change: p.Val435Ala; replaces valine 435 with alanine.
Molecular consequence: missense variant.
Genome position (GRCh38, 1-based): chr4:1,918,517, T>C. VCF-style: chr4-1918517-T-C. GRCh37 (hg19) VCF-style: chr4-1920244-T-C.
Other names: c.1304T>C, p.Val435Ala (NM_007331.2, NM_133330.3, NM_133331.3 and 2 more transcripts); short protein forms V435A.
Identifiers: ClinVar variation 4056684 (VCV004056684.4).

ClinVar aggregate classification (germline): Uncertain significance. Review status: criteria provided, multiple submitters, no conflicts (2 of 4 stars). 3 submissions from 3 submitters: Uncertain significance (3). Last evaluated 2026-08-06.

Conditions:
Rauch-Steindl syndrome (RAUST). Identifiers: Orphanet 659642, MedGen C5562061, MONDO:0859219, OMIM 619695.

Submissions (3):

OLLIN Analises Genomicas, OLLIN
Classification: Uncertain significance for Rauch-Steindl syndrome. Last evaluated: 2026-08-06. Review status: criteria provided, single submitter. Criteria: ACMG Guidelines 2015 PMID 25741868. Collection method: clinical testing. Allele origin: germline. Inheritance: Autosomal dominant inheritance.
Comment: This missense variant, located in exon 5 (of 22), is absent from gnomAD and has not been identified in the literature. However, it has been reported in ClinVar (accession VCV004056684.1). In silico analysis predicts that this variant has a tolerated effect. According to the currently available evidence, this variant has been classified as uncertain significance (PM2_P, BP4_M).

Dasa
Classification: Uncertain significance. Last evaluated: 2024-11-27. Review status: criteria provided, single submitter. Criteria: DASA Assertion Criteria. Collection method: clinical testing. Allele origin: germline.
Comment: NM_001042424.3(NSD2):c.1304T>C (p.Val435Ala) is a missense variant that results in the substitution of valine with alanine. This variant is absent from population databases. Computational prediction algorithms are consistent with a benign effect. The currently available literature and clinical evidence are not sufficient to establish a definitive association between this variant and the reported condition. Therefore, this variant is classified as a variant of uncertain significance.

Laboratorio de Genetica e Diagnostico Molecular, Hospital Israelita Albert Einstein
Classification: Uncertain significance for Rauch-Steindl syndrome. Last evaluated: 2024-01-19. Review status: criteria provided, single submitter. Criteria: ACMG Guidelines, 2015. Collection method: clinical testing. Allele origin: germline. Affected: yes.
Comment: ACMG classification criteria: PM2 supporting, BP4 supporting